The following is an entry in ClinVar:

NM_000022.4(ADA):c.56A>T (p.Asp19Val)

Genes: ADA (adenosine deaminase; minus strand), LOC107303343 (adenosine deaminase intronic regulatory elements; plus strand). Cytogenetic location: 20q13.12.
Variant type: single nucleotide variant.
Coding change: c.56A>T on transcript NM_000022.4 (MANE Select); coding-DNA position 56, A replaced by T.
Protein change: p.Asp19Val; replaces aspartic acid 19 with valine.
Molecular consequence: missense variant. On other transcripts: 5 prime UTR variant (1), non-coding transcript variant (1).
Genome position (GRCh38, 1-based): chr20:44,636,266, T>A on the plus strand (A>T on the coding strand, the complement: ADA is on the minus strand). VCF-style: chr20-44636266-T-A. GRCh37 (hg19) VCF-style: chr20-43264907-T-A.
Other names: c.-234A>T (NM_001322050.2); c.56A>T, p.Asp19Val (NM_001322051.2); short protein forms D19V.
Identifiers: ClinVar variation 2571135 (VCV002571135.27), dbSNP rs2516197070, ClinGen allele CA409122500.

ClinVar aggregate classification (germline): Likely pathogenic (1 of 4 stars; one submission).

Submission:

CeGaT Center for Human Genetics Tuebingen
Classification: Likely pathogenic. Last evaluated: 2023-06-01. Review status: criteria provided, single submitter. Criteria: CeGaT Center For Human Genetics Tuebingen Variant Classification Criteria Version 2. Collection method: clinical testing. Allele origin: germline. Affected: yes. Observed: 1 variant allele.
Comment: ADA: PM1, PM2, PM3:Supporting, PP3, PP4